The following is an entry in ClinVar:

NM_003356.4(UCP3):c.887A>C (p.Gln296Pro)

Gene: UCP3 (uncoupling protein 3; minus strand). Cytogenetic location: 11q13.4.
Variant type: single nucleotide variant.
Coding change: c.887A>C on transcript NM_003356.4 (MANE Select); coding-DNA position 887, A replaced by C.
Protein change: p.Gln296Pro; replaces glutamine 296 with proline.
Molecular consequence: missense variant.
Genome position (GRCh38, 1-based): chr11:74,001,464, T>G on the plus strand (A>C on the coding strand, the complement: UCP3 is on the minus strand). VCF-style: chr11-74001464-T-G. GRCh37 (hg19) VCF-style: chr11-73712509-T-G.
Other names: short protein forms Q296P.
Identifiers: ClinVar variation 3352797 (VCV003352797.1).

ClinVar aggregate classification (germline): Uncertain significance (0 of 4 stars; one submission).

Conditions:
UCP3-related disorder. Also called: UCP3-related condition.

gnomAD v4.1: 17 of 1,614,088 alleles (0.0011%); highest among the groups gnomAD compares: Non-Finnish European, 0.0014%; no homozygotes.

Submission:

PreventionGenetics, part of Exact Sciences
Classification: Uncertain significance for UCP3-related condition. Last evaluated: 2024-09-19. Review status: no assertion criteria provided. Collection method: clinical testing. Allele origin: germline.
Comment: The UCP3 c.887A>C variant is predicted to result in the amino acid substitution p.Gln296Pro. To our knowledge, this variant has not been reported in the literature. This variant is reported in 0.00088% of alleles in individuals of European (Non-Finnish) descent in gnomAD. At this time, the clinical significance of this variant is uncertain due to the absence of conclusive functional and genetic evidence.